The following is an entry in ClinVar:

ClinVar aggregate classification (germline): Uncertain significance (1 of 4 stars; one submission).

Submission:

Ambry Genetics
Classification: Uncertain significance. Last evaluated: 2021-06-12. Review status: criteria provided, single submitter. Criteria: Ambry Variant Classification Scheme 2023. Collection method: clinical testing. Allele origin: germline.
Comment: The p.G1201R variant (also known as c.3601G>A), located in coding exon 23 of the MYOM1 gene, results from a G to A substitution at nucleotide position 3601. The glycine at codon 1201 is replaced by arginine, an amino acid with dissimilar properties. This amino acid position is conserved. In addition, this alteration is predicted to be tolerated by in silico analysis. Since supporting evidence is limited at this time, the clinical significance of this alteration remains unclear.

NM_003803.4(MYOM1):c.3601G>A (p.Gly1201Arg)

Gene: MYOM1 (myomesin 1; minus strand). Cytogenetic location: 18p11.31.
Variant type: single nucleotide variant.
Coding change: c.3601G>A on transcript NM_003803.4 (MANE Select); coding-DNA position 3601, G replaced by A.
Protein change: p.Gly1201Arg; replaces glycine 1201 with arginine.
Molecular consequence: missense variant.
Genome position (GRCh38, 1-based): chr18:3,100,401, C>T on the plus strand (G>A on the coding strand, the complement: MYOM1 is on the minus strand). VCF-style: chr18-3100401-C-T. GRCh37 (hg19) VCF-style: chr18-3100399-C-T.
Other names: c.3313G>A, p.Gly1105Arg (NM_019856.2); short protein forms G1105R, G1201R.
Identifiers: ClinVar variation 1733107 (VCV001733107.2), dbSNP rs2510541247, ClinGen allele CA401702468.